The following is an entry in ClinVar:

NM_000111.3(SLC26A3):c.559G>T (p.Gly187Ter)

Gene: SLC26A3 (solute carrier family 26 member 3; minus strand). Cytogenetic location: 7q22.3.
Variant type: single nucleotide variant.
Coding change: c.559G>T on transcript NM_000111.3 (MANE Select); coding-DNA position 559, G replaced by T.
Protein change: p.Gly187Ter; replaces glycine 187 with a stop codon.
Molecular consequence: nonsense.
Genome position (GRCh38, 1-based): chr7:107,791,059, C>A on the plus strand (G>T on the coding strand, the complement: SLC26A3 is on the minus strand). VCF-style: chr7-107791059-C-A. GRCh37 (hg19) VCF-style: chr7-107431504-C-A.
Other names: short protein forms G187*.
Identifiers: ClinVar variation 16759 (VCV000016759.35), dbSNP rs121913032, ClinGen allele CA126855.

ClinVar aggregate classification (germline): Pathogenic. Review status: criteria provided, multiple submitters, no conflicts (2 of 4 stars). 17 submissions from 17 submitters: Pathogenic (14). 3 of the submissions do not count toward it. Last evaluated 2026-11-13.

Conditions:
SLC26A3-related disorder. Also called: SLC26A3-related condition.
Congenital secretory diarrhea, chloride type (DIAR1). Also called: DIARRHEA 1, SECRETORY CHLORIDE, CONGENITAL; CHLORIDORRHEA, CONGENITAL; CHLORIDE DIARRHEA, CONGENITAL, FINNISH TYPE. Identifiers: Orphanet 53689, MedGen C0267662, MONDO:0008964, OMIM 214700.

Allele frequency attached by ClinVar (database versions not stated): gnomAD exomes below 0.00001.
gnomAD v4.1: 1 of 1,613,770 alleles (0.000062%); highest among the groups gnomAD compares: Middle Eastern, 0.017%; no homozygotes.

Submissions (17):

Institute of Medical Genetics and Applied Genomics, University Hospital Tübingen
Classification: Pathogenic for Congenital secretory diarrhea, chloride type. Last evaluated: 2026-11-13. Review status: criteria provided, single submitter. Criteria: ACMG Guidelines, 2015. Collection method: clinical testing. Allele origin: germline. Inheritance: Autosomal recessive inheritance. Affected: yes.

PreventionGenetics, part of Exact Sciences
Classification: Pathogenic for SLC26A3-related condition. Last evaluated: 2026-01-30. Review status: criteria provided, single submitter. Criteria: ACMG Guidelines, 2015. Collection method: clinical testing. Allele origin: germline.
Comment: The SLC26A3 c.559G>T variant is predicted to result in premature protein termination (p.Gly187*). This variant has been reported in the homozygous and compound heterozygous states in individual with congenital chloride diarrhea (see, for example, Höglund et al. 1998. PubMed ID: 9718329; Abou Ziki et al. 2015. PubMed ID: 25568271; Esposito et al. 2021. PubMed ID: 33567694). It has also been reported as a founder variant in Arab populations (Mäkelä et al. 2002. PubMed ID: 12442266). This variant has not been reported in a large population database (gnomAD), indicating it is rare. Nonsense variants in SLC26A3 are expected to be pathogenic. This variant is interpreted as pathogenic.

3billion
Classification: Pathogenic for Congenital secretory diarrhea, chloride type. Last evaluated: 2025-10-10. Review status: criteria provided, single submitter. Criteria: ACMG Guidelines, 2015. Collection method: clinical testing. Allele origin: germline. Affected: yes.
Comment: The variant is observed at an extremely low frequency in the gnomAD v4.1.0 dataset (total allele frequency: <0.001%). Predicted Consequence/Location: Stop-gained (nonsense): predicted to result in a loss or disruption of normal protein function through nonsense-mediated decay (NMD) or protein truncation. Multiple pathogenic variants are reported downstream of the variant. The variant has been reported at least twice as pathogenic with clinical assertions and evidence for the classification (ClinVar ID: VCV000016759 /PMID: 9718329 /3billion dataset). Therefore, this variant is classified as Pathogenic according to the recommendation of ACMG/AMP guideline.

First Genomix Gene Laboratory, Genetic Diagnostics Department
Classification: Pathogenic for Congenital secretory diarrhea, chloride type. Last evaluated: 2025-08-05. Review status: criteria provided, single submitter. Criteria: ACMG Guidelines, 2015. Collection method: clinical testing. Allele origin: germline. Inheritance: Autosomal recessive inheritance. Affected: no. Observed: 1 variant allele.

Labcorp Genetics (formerly Invitae), Labcorp
Classification: Pathogenic. Last evaluated: 2024-10-21. Review status: criteria provided, single submitter. Criteria: Invitae Variant Classification Sherloc (09022015). Collection method: clinical testing. Allele origin: germline.
Comment: This sequence change creates a premature translational stop signal (p.Gly187*) in the SLC26A3 gene. It is expected to result in an absent or disrupted protein product. Loss-of-function variants in SLC26A3 are known to be pathogenic (PMID: 9718329, 21394828). This variant is not present in population databases (gnomAD no frequency). This premature translational stop signal has been observed in individual(s) with congenital chloride diarrhea (PMID: 9718329, 23361499, 25568271, 27525615). ClinVar contains an entry for this variant (Variation ID: 16759). For these reasons, this variant has been classified as Pathogenic.

Dubai Health Genomic Medicine Center, Dubai Health
Classification: Pathogenic for Diarrhea 1, secretory chloride, congenital. Last evaluated: 2024-10-04. Review status: criteria provided, single submitter. Criteria: ACMG Guidelines, 2015. Collection method: research. Allele origin: germline. Affected: yes.
Comment: PVS1, PM3_VeryStrong, PM2

Blueprint Genetics
Classification: Pathogenic for SLC26A3-related disorders. Last evaluated: 2024-04-15. Review status: criteria provided, single submitter. Criteria: ACMG Guidelines, 2015. Collection method: clinical testing. Allele origin: germline. Affected: yes. Observed: 5 variant alleles.

Genomic Medicine Center of Excellence, King Faisal Specialist Hospital and Research Centre
Classification: Pathogenic for Congenital secretory diarrhea, chloride type. Last evaluated: 2024-03-25. Review status: criteria provided, single submitter. Criteria: ACMG Guidelines, 2015. Collection method: clinical testing. Allele origin: germline.

Revvity Omics, Revvity
Classification: Pathogenic for Congenital secretory diarrhea, chloride type. Last evaluated: 2023-06-21. Review status: criteria provided, single submitter. Criteria: ACMG Guidelines, 2015. Collection method: clinical testing. Allele origin: germline.

GeneDx
Classification: Pathogenic. Last evaluated: 2023-01-07. Review status: criteria provided, single submitter. Criteria: GeneDx Variant Classification Process June 2021. Collection method: clinical testing. Allele origin: germline. Affected: yes.
Comment: Nonsense variant predicted to result in protein truncation or nonsense mediated decay in a gene for which loss of function is a known mechanism of disease; Not observed at significant frequency in large population cohorts (gnomAD); This variant is associated with the following publications: (PMID: 25568271, 25525159, 28600779, 21853658, 33350492, 27525615, 29086717, 9718329, 31130284, 33567694, 23361499)

Institute of Human Genetics Munich, TUM University Hospital
Classification: Pathogenic for Congenital secretory diarrhea, chloride type. Last evaluated: 2022-10-10. Review status: criteria provided, single submitter. Criteria: Classification criteria August 2017. Collection method: clinical testing. Allele origin: germline. Inheritance: Autosomal recessive inheritance. Affected: yes. Observed: 1 variant allele.

Baylor Genetics
Classification: Pathogenic for Congenital secretory diarrhea, chloride type. Last evaluated: 2020-02-06. Review status: criteria provided, single submitter. Criteria: ACMG Guidelines, 2015. Collection method: clinical testing. Allele origin: unknown. Affected: yes.
Comment: This variant was determined to be pathogenic according to ACMG Guidelines, 2015 [PMID:25741868].

Laboratory for Molecular Medicine, Mass General Brigham Personalized Medicine
Classification: Pathogenic for Congenital secretory diarrhea, chloride type. Last evaluated: 2018-09-26. Review status: criteria provided, single submitter. Criteria: LMM Criteria. Collection method: clinical testing. Allele origin: germline. Inheritance: Autosomal recessive inheritance. Observed: 1 variant allele.
Comment: The p.Gly187X variant in SLC26A3 has been reported in at least 35 individuals wi th congenital chloride diarrhea and is a founder pathogenic variant in the Arabi c population (Azzabi 2016, Canani 2013, Abou Ziki 2015, Hoglund 1998, Gutierrez Junquera 2008, Gurakan 2011, Al Awadhi 2017, Amato 2017). This variant was absen t from large population studies; however, these studies do not include Arab popu lations. This variant has been reported in ClinVar (Variation ID # 16759). This nonsense variant leads to a premature termination codon at position 187 which is predicted to lead to a truncated or absent protein. Loss of function of the SLC 26A3 gene is an established disease mechanism in autosomal recessive congenital chloride diarrhea. In summary, this variant meets criteria to be classified as p athogenic for congenital chloride diarrhea in an autosomal recessive manner base d upon proband counts and predicted impact on protein. ACMG/AMP Criteria applied : PVS1, PM3_Strong.

Pathology and Clinical Laboratory Medicine, King Fahad Medical City
Classification: Pathogenic for Congenital secretory diarrhea, chloride type. Review status: criteria provided, single submitter. Criteria: ACMG Guidelines, 2015. Collection method: clinical testing. Allele origin: germline. Affected: yes. Observed: 10 variant alleles.

Biochemical Molecular Genetic Laboratory, King Abdulaziz Medical City
Classification: Pathogenic for Congenital secretory diarrhea, chloride type. Last evaluated: 2019-01-29. Review status: no assertion criteria provided. Collection method: clinical testing. Allele origin: germline. Affected: yes. Not counted in ClinVar's aggregate classification.

OMIM
Classification: Pathogenic for DIARRHEA 1, SECRETORY CHLORIDE, CONGENITAL. Last evaluated: 1998-09-01. Review status: no assertion criteria provided. Collection method: literature only. Allele origin: germline. Not counted in ClinVar's aggregate classification.

Genetics Research Lab, Taif University
Classification: Pathogenic for Congenital secretory diarrhea, chloride type. Review status: no assertion criteria provided. Collection method: not provided. Allele origin: unknown. Not counted in ClinVar's aggregate classification.
Comment: Congenital Chloride Diarrhea in Taif, Saudi Arabia
ClinVar note: Converted during submission from pathogenic to Pathogenic.

Literature cited by the submitters: PubMed 9718329 (cited by 4 submitters); PubMed 21394828 (cited by Labcorp Genetics (formerly Invitae), Labcorp); PubMed 23361499 (cited by Labcorp Genetics (formerly Invitae), Labcorp); PubMed 25568271 (cited by Labcorp Genetics (formerly Invitae), Labcorp and Laboratory for Molecular Medicine, Mass General Brigham Personalized Medicine); PubMed 27525615 (cited by Labcorp Genetics (formerly Invitae), Labcorp and Laboratory for Molecular Medicine, Mass General Brigham Personalized Medicine); PubMed 24350656 (cited by Laboratory for Molecular Medicine, Mass General Brigham Personalized Medicine); PubMed 18847625 (cited by Laboratory for Molecular Medicine, Mass General Brigham Personalized Medicine); PubMed 21853658 (cited by Laboratory for Molecular Medicine, Mass General Brigham Personalized Medicine); PubMed 29086717 (cited by Laboratory for Molecular Medicine, Mass General Brigham Personalized Medicine); PubMed 28644346 (cited by Laboratory for Molecular Medicine, Mass General Brigham Personalized Medicine).